The following is an entry in ClinVar:

NM_005219.5(DIAPH1):c.3660A>G (p.Gln1220=)

Gene: DIAPH1 (diaphanous related formin 1; minus strand). Cytogenetic location: 5q31.3.
Variant type: single nucleotide variant.
Coding change: c.3660A>G on transcript NM_005219.5 (MANE Select); coding-DNA position 3660, A replaced by G.
Protein change: p.Gln1220=; no amino-acid change (glutamine 1220 retained).
Molecular consequence: synonymous variant.
Genome position (GRCh38, 1-based): chr5:141,524,144, T>C on the plus strand (A>G on the coding strand, the complement: DIAPH1 is on the minus strand). VCF-style: chr5-141524144-T-C. GRCh37 (hg19) VCF-style: chr5-140903711-T-C.
Other names: c.3633A>G, p.Gln1211= (NM_001079812.3); c.3660A>G, p.Gln1220= (NM_001314007.2).
Identifiers: ClinVar variation 2042362 (VCV002042362.6), dbSNP rs765289550, ClinGen allele CA3478730.

ClinVar aggregate classification (germline): Conflicting classifications of pathogenicity. Review status: criteria provided, conflicting classifications (1 of 4 stars). 2 submissions from 2 submitters: Uncertain significance (1); Likely benign (1). Last evaluated 2025-07-02.

Conditions:
Progressive microcephaly-seizures-cortical blindness-developmental delay syndrome. Also called: Seizures, cortical blindness, and microcephaly syndrome. Identifiers: Orphanet 477814, MedGen C5567650, MONDO:0014714, OMIM 616632.
Autosomal dominant nonsyndromic hearing loss 1. Also called: DEAFNESS, AUTOSOMAL DOMINANT 1, WITH OR WITHOUT THROMBOCYTOPENIA; KONIGSMARK SYNDROME. Identifiers: Orphanet 90635, MedGen C1852282, MONDO:0007424, OMIM 124900.

Allele frequency attached by ClinVar (database versions not stated): gnomAD exomes below 0.00001; gnomAD 0.00001; ExAC 0.00002; TOPMed 0.00003.
gnomAD v4.1: 6 of 1,613,972 alleles (0.00037%); highest among the groups gnomAD compares: East Asian, 0.013%; no homozygotes.

Submissions (3):

Labcorp Genetics (formerly Invitae), Labcorp
Classification: Uncertain significance for Progressive microcephaly-seizures-cortical blindness-developmental delay syndrome; Autosomal dominant nonsyndromic hearing loss 1. Last evaluated: 2025-07-02. Review status: criteria provided, single submitter. Criteria: Invitae Variant Classification Sherloc (09022015). Collection method: clinical testing. Allele origin: germline.
Comment: This sequence change affects codon 1220 of the DIAPH1 mRNA. It is a 'silent' change, meaning that it does not change the encoded amino acid sequence of the DIAPH1 protein. It affects a nucleotide within the consensus splice site. This variant is present in population databases (rs765289550, gnomAD 0.02%). This variant has not been reported in the literature in individuals affected with DIAPH1-related conditions. ClinVar contains an entry for this variant (Variation ID: 2042362). Algorithms developed to predict the effect of sequence changes on RNA splicing suggest that this variant is not likely to affect RNA splicing. In summary, the available evidence is currently insufficient to determine the role of this variant in disease. Therefore, it has been classified as a Variant of Uncertain Significance.

Blueprint Genetics
Classification: Likely benign. Last evaluated: 2023-09-05. Review status: criteria provided, single submitter. Criteria: ACMG Guidelines, 2015. Collection method: clinical testing. Allele origin: germline.

Dr. Peter K. Rogan Lab, Western University
No classification provided (evidence only). Condition: Nonpapillary renal cell carcinoma. Review status: no classification provided. Collection method: in vitro. Allele origin: not applicable. Functional consequence: retained intron. Not counted in ClinVar's aggregate classification.